The following is an entry in ClinVar:

NM_052947.4(ALPK2):c.5549C>T (p.Pro1850Leu)

Gene: ALPK2 (alpha kinase 2; minus strand). Cytogenetic location: 18q21.31.
Variant type: single nucleotide variant.
Coding change: c.5549C>T on transcript NM_052947.4 (MANE Select); coding-DNA position 5549, C replaced by T.
Protein change: p.Pro1850Leu; replaces proline 1850 with leucine.
Molecular consequence: missense variant.
Genome position (GRCh38, 1-based): chr18:58,524,015, G>A on the plus strand (C>T on the coding strand, the complement: ALPK2 is on the minus strand). VCF-style: chr18-58524015-G-A. GRCh37 (hg19) VCF-style: chr18-56191247-G-A.
Other names: short protein forms P1850L.
Identifiers: ClinVar variation 1748226 (VCV001748226.5), dbSNP rs56146550, ClinGen allele CA8976447.
Genomic context (GRCh38, chr18:58,524,015, plus strand): 5'-TCAGCAGTCACTTTTCCGTAGCTGTTCTTGATGCAGCAGTAATAGAGTCCCTGGTCCTTC[G>A]GACTGGCTTGCACGATGGCAAAGGAAACAGTGGAGTTGTCCCCTGCACTGCAATGAGGAA-3'
Protein context (NP_443179.3, residues 1840-1860): TVSFAIVQAS[Pro1850Leu]KDQGLYYCCI

ClinVar aggregate classification (germline): Likely benign. Review status: criteria provided, single submitter (1 of 4 stars). 2 submissions from 2 submitters: Likely benign (1). 1 of the submissions does not count toward it. Last evaluated 2025-08-05.

Conditions:
ALPK2-related disorder. Also called: ALPK2-related condition.

Allele frequency attached by ClinVar (database versions not stated): 1000 Genomes Project 0.00060; 1000 Genomes Project 30x 0.00062; TOPMed 0.00129; ExAC 0.00164; gnomAD 0.00189; ESP Exome Variant Server 0.00192; gnomAD exomes 0.00263.
gnomAD v4.1: 4,090 of 1,614,090 alleles (0.25%); highest among the groups gnomAD compares: Non-Finnish European, 0.3%; 4 homozygotes.

Submissions (2):

Ambry Genetics
Classification: Likely benign. Last evaluated: 2025-08-05. Review status: criteria provided, single submitter. Criteria: Ambry Variant Classification Scheme 2023. Collection method: clinical testing. Allele origin: germline.

PreventionGenetics, part of Exact Sciences
Classification: Likely benign for ALPK2-related condition. Last evaluated: 2019-11-07. Review status: no assertion criteria provided. Collection method: clinical testing. Allele origin: germline. Not counted in ClinVar's aggregate classification.
Comment: This variant is classified as likely benign based on ACMG/AMP sequence variant interpretation guidelines (Richards et al. 2015 PMID: 25741868, with internal and published modifications).